The following is an entry in ClinVar:

ClinVar aggregate classification (germline): Conflicting classifications of pathogenicity. Review status: criteria provided, conflicting classifications (1 of 4 stars). 4 submissions from 4 submitters: Uncertain significance (3); Likely benign (1). Last evaluated 2025-07-30.

Conditions:
Tuberous sclerosis 1 (TSC1). Identifiers: Orphanet 805, MedGen C1854465, MONDO:0008612, OMIM 191100.
Hereditary cancer-predisposing syndrome. Also called: Neoplastic Syndromes, Hereditary; Hereditary neoplastic syndrome; Tumor predisposition; Hereditary Cancer Syndrome. Identifiers: Orphanet 140162, MedGen C0027672, MeSH D009386, MONDO:0015356.

Allele frequency attached by ClinVar (database versions not stated): TOPMed 0.00001.
gnomAD v4.1: 8 of 1,614,104 alleles (0.0005%); highest among the groups gnomAD compares: Non-Finnish European, 0.00068%; no homozygotes.

Submissions (4):

Labcorp Genetics (formerly Invitae), Labcorp
Classification: Likely benign for Tuberous sclerosis 1. Last evaluated: 2025-07-30. Review status: criteria provided, single submitter. Criteria: Invitae Variant Classification Sherloc (09022015). Collection method: clinical testing. Allele origin: germline.

Ambry Genetics
Classification: Uncertain significance for Hereditary cancer-predisposing syndrome. Last evaluated: 2024-11-06. Review status: criteria provided, single submitter. Criteria: Ambry Variant Classification Scheme 2023. Collection method: clinical testing. Allele origin: germline.
Comment: The p.T417K variant (also known as c.1250C>A), located in coding exon 10 of the TSC1 gene, results from a C to A substitution at nucleotide position 1250. The threonine at codon 417 is replaced by lysine, an amino acid with similar properties. This amino acid position is not well conserved in available vertebrate species. In addition, the in silico prediction for this alteration is inconclusive. Based on the available evidence, the clinical significance of this variant remains unclear.

Genome-Nilou Lab
Classification: Uncertain significance for Tuberous sclerosis 1. Last evaluated: 2021-11-07. Review status: criteria provided, single submitter. Criteria: ACMG Guidelines, 2015. Collection method: clinical testing. Allele origin: germline. Affected: no.

GeneDx
Classification: Uncertain significance. Last evaluated: 2020-06-23. Review status: criteria provided, single submitter. Criteria: GeneDx Variant Classification Process June 2021. Collection method: clinical testing. Allele origin: germline. Affected: yes.
Comment: In silico analysis supports that this missense variant does not alter protein structure/function; Has not been previously published as pathogenic or benign to our knowledge

NM_000368.5(TSC1):c.1250C>A (p.Thr417Lys)

Gene: TSC1 (TSC complex subunit 1; minus strand). Cytogenetic location: 9q34.13.
Variant type: single nucleotide variant.
Coding change: c.1250C>A on transcript NM_000368.5 (MANE Select); coding-DNA position 1250, C replaced by A.
Protein change: p.Thr417Lys; replaces threonine 417 with lysine.
Molecular consequence: missense variant.
Genome position (GRCh38, 1-based): chr9:132,910,584, G>T on the plus strand (C>A on the coding strand, the complement: TSC1 is on the minus strand). VCF-style: chr9-132910584-G-T. GRCh37 (hg19) VCF-style: chr9-135785971-G-T.
Other names: c.1247C>A, p.Thr416Lys (NM_001162426.2); c.1097C>A, p.Thr366Lys (NM_001162427.2); c.887C>A, p.Thr296Lys (NM_001362177.2); short protein forms T417K, T296K, T366K, T416K.
Identifiers: ClinVar variation 534444 (VCV000534444.17), dbSNP rs77464996, ClinGen allele CA375366761.